The following is an entry in ClinVar:

NM_021930.6(RINT1):c.395A>G (p.Asn132Ser)

Gene: RINT1 (RAD50 interactor 1; plus strand). Cytogenetic location: 7q22.3.
Variant type: single nucleotide variant.
Coding change: c.395A>G on transcript NM_021930.6 (MANE Select); coding-DNA position 395, A replaced by G.
Protein change: p.Asn132Ser; replaces asparagine 132 with serine.
Molecular consequence: missense variant. On other transcripts: 5 prime UTR variant (3), non-coding transcript variant (1).
Genome position (GRCh38, 1-based): chr7:105,542,529, A>G. VCF-style: chr7-105542529-A-G. GRCh37 (hg19) VCF-style: chr7-105182976-A-G.
Other names: c.161A>G, p.Asn54Ser (NM_001346599.2); c.-625A>G (NM_001346600.2); c.-528A>G (NM_001346601.2); c.-148A>G (NM_001346603.2); short protein forms N132S, N54S.
Identifiers: ClinVar variation 3227656 (VCV003227656.1), dbSNP rs2485112711, ClinGen allele CA368803403.

ClinVar aggregate classification (germline): Uncertain significance (1 of 4 stars; one submission).

Submission:

Ambry Genetics
Classification: Uncertain significance. Last evaluated: 2024-03-14. Review status: criteria provided, single submitter. Criteria: Ambry Variant Classification Scheme 2023. Collection method: clinical testing. Allele origin: germline.
Comment: The p.N132S variant (also known as c.395A>G), located in coding exon 4 of the RINT1 gene, results from an A to G substitution at nucleotide position 395. The asparagine at codon 132 is replaced by serine, an amino acid with highly similar properties. This amino acid position is conserved. In addition, this alteration is predicted to be tolerated by in silico analysis. Based on the available evidence, the clinical significance of this alteration remains unclear.